The following is an entry in ClinVar:

ClinVar aggregate classification (germline): Pathogenic. Review status: criteria provided, multiple submitters, no conflicts (2 of 4 stars). 2 submissions from 2 submitters: Pathogenic (2). Last evaluated 2024-05-08.

Conditions:
Menkes kinky-hair syndrome (MNK). Also called: Menkes Disease; Copper transport disease; Classic Menkes Disease. Identifiers: Orphanet 565, MedGen C0022716, MONDO:0010651, OMIM 309400.

Submissions (2):

Myriad Genetics, Inc.
Classification: Pathogenic for Menkes kinky-hair syndrome. Last evaluated: 2024-05-08. Review status: criteria provided, single submitter. Criteria: Myriad Autosomal Dominant, Autosomal Recessive and X-Linked Classification Criteria (2023). Collection method: clinical testing. Allele origin: unknown.
Comment: NM_000052.5(ATP7A):c.3529C>T(Q1177*) is expected to be pathogenic in the context of ATP7A-related disorders. This variant is predicted to lead to an abnormal or absent protein product due to the creation of a premature termination codon in ATP7A, a gene where loss-of-function variants are known to be pathogenic. Please note: this variant was assessed in the context of healthy population screening.

CeGaT Center for Human Genetics Tuebingen
Classification: Pathogenic. Last evaluated: 2020-02-01. Review status: criteria provided, single submitter. Criteria: CeGaT Center For Human Genetics Tuebingen Variant Classification Criteria Version 2. Collection method: clinical testing. Allele origin: germline. Affected: yes. Observed: 1 variant allele.

NM_000052.7(ATP7A):c.3529C>T (p.Gln1177Ter)

Gene: ATP7A (ATPase copper transporting alpha; plus strand). Cytogenetic location: Xq21.1.
Variant type: single nucleotide variant.
Coding change: c.3529C>T on transcript NM_000052.7 (MANE Select); coding-DNA position 3529, C replaced by T.
Protein change: p.Gln1177Ter; replaces glutamine 1177 with a stop codon.
Molecular consequence: nonsense. On other transcripts: non-coding transcript variant (1).
Genome position (GRCh38, 1-based): chrX:78,038,853, C>T. VCF-style: chrX-78038853-C-T. GRCh37 (hg19) VCF-style: chrX-77294351-C-T.
Other names: c.3295C>T, p.Gln1099Ter (NM_001282224.2); short protein forms Q1099*, Q1177*.
Identifiers: ClinVar variation 916137 (VCV000916137.41), dbSNP rs2078030343, ClinGen allele CA413604379.